The following is an entry in ClinVar:

NM_014874.4(MFN2):c.1150C>T (p.Arg384Trp)

Gene: MFN2 (mitofusin 2; plus strand). Cytogenetic location: 1p36.22.
Variant type: single nucleotide variant.
Coding change: c.1150C>T on transcript NM_014874.4 (MANE Select); coding-DNA position 1150, C replaced by T.
Protein change: p.Arg384Trp; replaces arginine 384 with tryptophan.
Molecular consequence: missense variant.
Genome position (GRCh38, 1-based): chr1:12,002,093, C>T. VCF-style: chr1-12002093-C-T. GRCh37 (hg19) VCF-style: chr1-12062150-C-T.
Other names: c.1150C>T, p.Arg384Trp (NM_001127660.2); short protein forms R384W.
Identifiers: ClinVar variation 245900 (VCV000245900.33), dbSNP rs777353788, ClinGen allele CA599018.

ClinVar aggregate classification (germline): Uncertain significance. Review status: criteria provided, multiple submitters, no conflicts (2 of 4 stars). 6 submissions from 6 submitters: Uncertain significance (5). 1 of the submissions does not count toward it. Last evaluated 2025-07-06.

Conditions:
Inborn genetic diseases. Identifiers: MedGen C0950123, MeSH D030342.
Charcot-Marie-Tooth disease. Also called: Charcot-Marie-Tooth Neuropathy; Charcot-Marie-Tooth Hereditary Neuropathy. Identifiers: Orphanet 166, MedGen C0007959, MONDO:0015626.
Charcot-Marie-Tooth disease type 2. Also called: Charcot-Marie-Tooth type 2. Identifiers: Orphanet 64746, MedGen C0270914, MONDO:0018993.

Allele frequency attached by ClinVar (database versions not stated): ExAC 0.00001; gnomAD exomes 0.00002; gnomAD 0.00009; TOPMed 0.00011.
gnomAD v4.1: 31 of 1,614,184 alleles (0.0019%); highest among the groups gnomAD compares: African/African-American, 0.021%; no homozygotes.

Submissions (6):

Labcorp Genetics (formerly Invitae), Labcorp
Classification: Uncertain significance for Charcot-Marie-Tooth disease type 2. Last evaluated: 2025-07-06. Review status: criteria provided, single submitter. Criteria: Invitae Variant Classification Sherloc (09022015). Collection method: clinical testing. Allele origin: germline.
Comment: This sequence change replaces arginine, which is basic and polar, with tryptophan, which is neutral and slightly polar, at codon 384 of the MFN2 protein (p.Arg384Trp). This variant is present in population databases (rs777353788, gnomAD 0.02%). This missense change has been observed in individual(s) with autosomal dominant Charcot-Marie-Tooth disease (PMID: 23456260). ClinVar contains an entry for this variant (Variation ID: 245900). Invitae Evidence Modeling of protein sequence and biophysical properties (such as structural, functional, and spatial information, amino acid conservation, physicochemical variation, residue mobility, and thermodynamic stability) indicates that this missense variant is not expected to disrupt MFN2 protein function with a negative predictive value of 80%. In summary, the available evidence is currently insufficient to determine the role of this variant in disease. Therefore, it has been classified as a Variant of Uncertain Significance.

Blueprint Genetics
Classification: Uncertain significance. Last evaluated: 2024-09-02. Review status: criteria provided, single submitter. Criteria: ACMG Guidelines, 2015. Collection method: clinical testing. Allele origin: germline.

CeGaT Center for Human Genetics Tuebingen
Classification: Uncertain significance. Last evaluated: 2024-02-01. Review status: criteria provided, single submitter. Criteria: CeGaT Center For Human Genetics Tuebingen Variant Classification Criteria Version 2. Collection method: clinical testing. Allele origin: germline. Affected: yes. Observed: 1 variant allele.
Comment: MFN2: PM1, PM2

Ambry Genetics
Classification: Uncertain significance for Inborn genetic diseases. Last evaluated: 2022-12-02. Review status: criteria provided, single submitter. Criteria: Ambry Variant Classification Scheme 2023. Collection method: clinical testing. Allele origin: germline.

GeneDx
Classification: Uncertain significance. Last evaluated: 2020-01-21. Review status: criteria provided, single submitter. Criteria: GeneDx Variant Classification Process June 2021. Collection method: clinical testing. Allele origin: germline. Affected: yes.
Comment: Observed in heterozygous state in a patient with axonal demyelinating sensory motor polyneuropathy in published literature (Auranen et al., 2013); In silico analysis, which includes protein predictors and evolutionary conservation, supports that this variant does not alter protein structure/function; This variant is associated with the following publications: (PMID: 23456260)

Inherited Neuropathy Consortium
Classification: Uncertain significance for Charcot-Marie-Tooth disease. Review status: no assertion criteria provided. Collection method: literature only. Allele origin: germline. Affected: yes. Not counted in ClinVar's aggregate classification.

Literature cited by the submitters: PubMed 23456260 (cited by 3 submitters).